The following is an entry in ClinVar:

NM_001048174.2(MUTYH):c.857A>T (p.Gln286Leu)

Gene: MUTYH (mutY DNA glycosylase; minus strand). Cytogenetic location: 1p34.1.
Variant type: single nucleotide variant.
Coding change: c.857A>T on transcript NM_001048174.2 (MANE Select); coding-DNA position 857, A replaced by T.
Protein change: p.Gln286Leu; replaces glutamine 286 with leucine.
Molecular consequence: missense variant. On other transcripts: non-coding transcript variant (7).
Genome position (GRCh38, 1-based): chr1:45,332,079, T>A on the plus strand (A>T on the coding strand, the complement: MUTYH is on the minus strand). VCF-style: chr1-45332079-T-A. GRCh37 (hg19) VCF-style: chr1-45797751-T-A.
Other names: c.941A>T, p.Gln314Leu (NM_001128425.2); c.902A>T, p.Gln301Leu (NM_001293190.2); c.890A>T, p.Gln297Leu (NM_001293191.2, NM_001407069.1, NM_001407077.1); c.581A>T, p.Gln194Leu (NM_001293192.2, NM_001293196.2, NM_001407091.1); c.857A>T, p.Gln286Leu (NM_001293195.2, NM_001407070.1, NM_001048171.2 and 6 more transcripts); c.512A>T, p.Gln171Leu (NM_001350650.2, NM_001350651.2, NM_001407082.1); c.860A>T, p.Gln287Leu (NM_001048172.2, NM_001407071.1, NM_001407078.1 and 1 more transcripts); c.773A>T, p.Gln258Leu (NM_001407075.1); and 5 more; short protein forms Q258L, Q272L, Q286L, Q287L, Q297L, Q311L, Q293L, Q171L.
Identifiers: ClinVar variation 4113926 (VCV004113926.1).
Genomic context (GRCh38, chr1:45,332,079, plus strand): 5'-TCACCACACTCCTCCACGTCAGGACTGCCCGACAGGCTCCCTGAGGCTAAGAGCTGTTCC[T>A]GCTCCACCTGAGAGGCACAGGGTTGAGTGTCATAGGGCAGAGTCACTCCTTAGGACTTCT-3'
Protein context (NP_001041639.1, residues 276-296): SLCRARQRVE[Gln286Leu]EQLLASGSLS

ClinVar aggregate classification (germline): Uncertain significance (1 of 4 stars; one submission).

Conditions:
Hereditary cancer-predisposing syndrome. Also called: Hereditary neoplastic syndrome; Neoplastic Syndromes, Hereditary; Tumor predisposition; Hereditary Cancer Syndrome. Identifiers: Orphanet 140162, MedGen C0027672, MeSH D009386, MONDO:0015356.

Submission:

Ambry Genetics
Classification: Uncertain significance for Hereditary cancer-predisposing syndrome. Last evaluated: 2025-08-27. Review status: criteria provided, single submitter. Criteria: Ambry Variant Classification Scheme 2023. Collection method: clinical testing. Allele origin: germline.
Comment: The p.Q314L variant (also known as c.941A>T), located in coding exon 11 of the MUTYH gene, results from an A to T substitution at nucleotide position 941. The glutamine at codon 314 is replaced by leucine, an amino acid with dissimilar properties. This amino acid position is conserved. In addition, this alteration is predicted to be tolerated by in silico analysis. Based on the available evidence, the clinical significance of this variant remains unclear.